The following is an entry in ClinVar:

NM_005866.4(SIGMAR1):c.446G>A (p.Gly149Glu)

Gene: SIGMAR1 (sigma non-opioid intracellular receptor 1; minus strand). Cytogenetic location: 9p13.3.
Variant type: single nucleotide variant.
Coding change: c.446G>A on transcript NM_005866.4 (MANE Select); coding-DNA position 446, G replaced by A.
Protein change: p.Gly149Glu; replaces glycine 149 with glutamic acid.
Molecular consequence: missense variant. On other transcripts: synonymous variant (1), non-coding transcript variant (1), intron variant (1).
Genome position (GRCh38, 1-based): chr9:34,635,858, C>T on the plus strand (G>A on the coding strand, the complement: SIGMAR1 is on the minus strand). VCF-style: chr9-34635858-C-T. GRCh37 (hg19) VCF-style: chr9-34635855-C-T.
Other names: c.146G>A, p.Gly49Glu (NM_001282206.2); c.386G>A, p.Gly129Glu (NM_001282207.2); c.469G>A, p.Gly157Arg (NM_001282208.2); c.306G>A, p.Glu102= (NM_001282209.2); c.353G>A, p.Gly118Glu (NM_147157.3); c.446-218G>A (NM_001282205.2); short protein forms G118E, G49E, G129E, G149E, G157R.
Identifiers: ClinVar variation 2585481 (VCV002585481.1), dbSNP rs546522200, ClinGen allele CA502002.

ClinVar aggregate classification (germline): Uncertain significance (1 of 4 stars; one submission).

Conditions:
Autosomal recessive distal spinal muscular atrophy 2. Also called: NEUROPATHY, DISTAL HEREDITARY MOTOR, AUTOSOMAL RECESSIVE 2; NEURONOPATHY, DISTAL HEREDITARY MOTOR, JERASH TYPE; NEUROPATHY, DISTAL HEREDITARY MOTOR, JERASH TYPE; SPINAL MUSCULAR ATROPHY, JERASH TYPE; Hereditary motor neuropathy, Jerash type; Motor neuropathy, distal, Jerash type. Identifiers: Orphanet 139552, MedGen C1854023, MONDO:0011585, OMIM 605726.

Allele frequency attached by ClinVar (database versions not stated): gnomAD exomes below 0.00001.

Submission:

Neuberg Centre For Genomic Medicine, NCGM
Classification: Uncertain significance for Autosomal recessive distal spinal muscular atrophy 2. Review status: criteria provided, single submitter. Criteria: ACMG Guidelines, 2015. Collection method: clinical testing. Allele origin: germline. Inheritance: Autosomal recessive inheritance. Affected: yes.
Comment: The missense variant in c.446G>A (p.Gly149Glu) in SIGMAR1 gene has not been reported previously as a pathogenic variant nor as a benign variant, to our knowledge. This variant has not been reported to the ClinVar database. This variant is reported with the allele frequency (0.0004021%) in the gnomad and novel in 1000 genome database. The amino acid Gly at position 149 is changed to a Glu changing protein sequence and it might alter its composition and physicochemical properties. The variant is predicted to be damaging by both SIFT and PolyPhen2. The residue is conserved across species. The amino acid change p.Gly149Glu in SIGMAR1 is predicted as conserved by GERP++ and PhyloP across 100 vertebrates. Since this variant is present in the last exon, functional studies will be required to prove protein function. For these reasons, this variant has been classified as Uncertain Significance (VUS).